The following continues an entry in ClinVar:

NM_000257.4(MYH7):c.2605C>T (p.Arg869Cys)

ClinVar aggregate classification (germline): Pathogenic/Likely pathogenic. Pathogenic (2); Likely pathogenic (7).

Submissions 7 to 9 of 9:

Laboratory for Molecular Medicine, Mass General Brigham Personalized Medicine
Classification: Likely pathogenic for Hypertrophic cardiomyopathy. Last evaluated: 2019-10-14. Review status: criteria provided, single submitter. Criteria: ACMG Guidelines, 2015. Collection method: clinical testing. Allele origin: germline.
Comment: The p.Arg869Cys variant in MYH7 has been reported in at least 2 individuals with HCM (Anan 2000, Homburger 2016, Hershkovitz 2019). It was absent from large population studies. Computational prediction tools and conservation analyses suggest that this variant may impact the protein, though this information is not predictive enough to determine pathogenicity. Of note, this variant lies in the head region of the protein and missense variants in this region are statistically more likely to be disease-associated (Walsh 2016). In addition, another variant involving this codon (p.Arg869His) has been identified in individuals with HCM and is classified as likely pathogenic by this laboratory. In summary, although additional studies are required to fully establish its clinical significance, this variant meets criteria to be classified as likely pathogenic for autosomal dominant HCM. ACMG/AMP Criteria applied: PM1, PM2, PM5_Supporting, PP3, PS4_Supporting.

Agnes Ginges Centre for Molecular Cardiology, Centenary Institute
Classification: Likely pathogenic for Hypertrophic cardiomyopathy 1. Last evaluated: 2017-11-13. Review status: criteria provided, single submitter. Criteria: ACMG Guidelines, 2015. Collection method: research. Allele origin: germline. Affected: yes.
Comment: The MYH7 Arg869Cys variant has been previously reported in several HCM probands (Genedx, Pers. Comm.; Captur G, et al., 2014; Liu X et al., 2014; Fujita T, et al., 2013; Hirota T, et al., 2010; Anan R, et al., 2000), and has been found to segregate in familial cases (Genedx, Pers. Comm.; Anan R et al., 2000). The variant is absent from the Exome Aggregation Consortium dataset, as well as the Genome Aggregation Database. In a large HCM population study Walsh et al., identified that MYH7 variants identified in HCM cases were found to cluster between amino acids 181- 937 (2017), this implies that variants in this region are likely to cause a HCM phenotype. Interestingly, different rare variants at this position (Arg869His & Arg869Ser) have also been reported in multiple HCM individuals, suggesting that an amino acid substitution at this site may not be tolerated. Computational tools SIFT, MutationTaster, PolyPhen-2 and PolyPhen-HCM predict this variant to be deleterious. In summary, based on rarity in the general population, presence and segregation in HCM families, in silico tools predicting a deleterious affect and because the variant is located in a well known "hotspot" of MYH7 we classify MYH7 Arg689Cys as a "likely pathogenic" variant.

Rady Children's Institute for Genomic Medicine, Rady Children's Hospital San Diego
Classification: Likely pathogenic for MYH7-related disorders. Review status: criteria provided, single submitter. Criteria: ACMG Guidelines, 2015. Collection method: clinical testing. Allele origin: germline. Affected: yes.
Comment: This variant has been previously reported as a heterozygous change in multiple patients with hypertrophic cardiomyopathy (HCM; PMID: 30588760, 10862102, 24621997, 30847666, 32894683). It is absent from the gnomAD population database and thus presumed to be rare. The c.2605C>T (p.Arg869Cys) variant is found in the head region of the MYH7 protein (residues 181-937) where missense variants are statistically more likely to be associated with HCM (PMID:27532257, 29300372). Different missense variants involving the same amino acid position have been previously reported in individuals with HCM in the Human Gene Mutation Database (HGMD; PMID: 32596782). The MYH7 gene is constrained against missense variation (Z-score= 3.93), and missense variants are an established mechanism of disease (PMID: 29300372). Based on the available evidence, the c.2605C>T (p.Arg869Cys) variant is classified as Likely Pathogenic.

Literature cited by the submitters: PubMed 10862102 (cited by 6 submitters); PubMed 24621997 (cited by 5 submitters); PubMed 24704860 (cited by 5 submitters); PubMed 27247418 (cited by 3 submitters); PubMed 30588760 (cited by 5 submitters); PubMed 32894683 (cited by Labcorp Genetics (formerly Invitae), Labcorp and Ambry Genetics); PubMed 27532257 (cited by 4 submitters); PubMed 17180650 (cited by Labcorp Genetics (formerly Invitae), Labcorp); PubMed 20359594 (cited by Labcorp Genetics (formerly Invitae), Labcorp); PubMed 23674513 (cited by Labcorp Genetics (formerly Invitae), Labcorp); PubMed 24093860 (cited by Labcorp Genetics (formerly Invitae), Labcorp); PubMed 25078086 (cited by Labcorp Genetics (formerly Invitae), Labcorp); PubMed 20350521 (cited by Ambry Genetics and Agnes Ginges Centre for Molecular Cardiology, Centenary Institute); PubMed 21799269 (cited by 4 submitters); PubMed 30847666 (cited by Ambry Genetics); PubMed 32830170 (cited by Ambry Genetics); PubMed 34263907 (cited by 3 submitters); PubMed 33495597 (cited by Color Diagnostics, LLC DBA Color Health).